The following is an entry in ClinVar:

ClinVar aggregate classification (germline): Uncertain significance. Review status: criteria provided, multiple submitters, no conflicts (2 of 4 stars). 2 submissions from 2 submitters: Uncertain significance (2). Last evaluated 2025-02-24.

Conditions:
Cardiovascular phenotype. Identifiers: MedGen CN230736.
Naxos disease (NXD). Also called: KERATOSIS PALMOPLANTARIS WITH ARRHYTHMOGENIC CARDIOMYOPATHY; MAL DE NAXOS; PALMOPLANTAR KERATODERMA WITH ARRHYTHMOGENIC RIGHT VENTRICULAR CARDIOMYOPATHY AND WOOLLY HAIR; WOOLLY HAIR, PALMOPLANTAR KERATODERMA, AND CARDIAC ABNORMALITIES; CARDIOMYOPATHY, ARRHYTHMOGENIC RIGHT VENTRICULAR, WITH SKIN, HAIR, AND NAIL ABNORMALITIES. Identifiers: Orphanet 34217, MedGen C1832600, MONDO:0011017, OMIM 601214.
Arrhythmogenic right ventricular dysplasia 12. Also called: ARRHYTHMOGENIC RIGHT VENTRICULAR DYSPLASIA, FAMILIAL, 12. Identifiers: MedGen C1969081, MONDO:0012684, OMIM 611528.

Allele frequency attached by ClinVar (database versions not stated): TOPMed below 0.00001; gnomAD 0.00001; gnomAD exomes 0.00001 and 0.00002; ExAC 0.00002; ESP Exome Variant Server 0.00008.

Submissions (2):

Ambry Genetics
Classification: Uncertain significance for Cardiovascular phenotype. Last evaluated: 2025-02-24. Review status: criteria provided, single submitter. Criteria: Ambry Variant Classification Scheme 2023. Collection method: clinical testing. Allele origin: germline.
Comment: The c.1158+2_1158+4dupTGA intronic variant is located 2 nucleotide(s) after coding exon 6 in the JUP gene. This variant results from a duplication of 3 nucleotides at positions c.1158+2 to c.1158+4. This variant does not change the sequence of the canonical donor at this splice site. This nucleotide region is not well conserved in available vertebrate species. In silico splice site analysis predicts that this alteration may result in the creation or strengthening of a novel splice donor site. Based on the available evidence, the clinical significance of this variant remains unclear.

Labcorp Genetics (formerly Invitae), Labcorp
Classification: Uncertain significance for Arrhythmogenic right ventricular dysplasia 12; Naxos disease. Last evaluated: 2023-11-10. Review status: criteria provided, single submitter. Criteria: Invitae Variant Classification Sherloc (09022015). Collection method: clinical testing. Allele origin: germline.
Comment: This sequence change falls in intron 7 of the JUP gene. It does not directly change the encoded amino acid sequence of the JUP protein. It affects a nucleotide within the consensus splice site. This variant is present in population databases (rs782280458, gnomAD 0.04%). This variant has not been reported in the literature in individuals affected with JUP-related conditions. ClinVar contains an entry for this variant (Variation ID: 651441). Variants that disrupt the consensus splice site are a relatively common cause of aberrant splicing (PMID: 17576681, 9536098). Algorithms developed to predict the effect of sequence changes on RNA splicing suggest that this variant is not likely to affect RNA splicing. In summary, the available evidence is currently insufficient to determine the role of this variant in disease. Therefore, it has been classified as a Variant of Uncertain Significance.

Literature cited by the submitters: PubMed 17576681 (cited by Labcorp Genetics (formerly Invitae), Labcorp); PubMed 9536098 (cited by Labcorp Genetics (formerly Invitae), Labcorp).

NM_002230.4(JUP):c.1158+2_1158+4dup

Gene: JUP (junction plakoglobin; minus strand). Cytogenetic location: 17q21.2.
Variant type: Duplication.
Coding change: c.1158+2_1158+4dup on transcript NM_002230.4 (MANE Select); the canonical splice donor site of the intron after coding-DNA position 1158 through 4 bases into the intron after coding-DNA position 1158, 3 bases duplicated (TGA; older notation c.1158+2_1158+4dupTGA).
Molecular consequence: splice donor variant.
Genome position (GRCh38, 1-based): chr17:41,764,709-41,764,711, TCA duplicated on the plus strand (TGA on the coding strand, the reverse complement: JUP is on the minus strand). VCF-style (leftmost placement, unchanged base first): chr17-41764708-C-CTCA. GRCh37 (hg19) VCF-style: chr17-39920960-C-CTCA.
Other names: c.1158+2_1158+4dupTGA (NM_002230.2); c.1158+2_1158+4dup (NM_001352774.2, NM_021991.4, NM_001352776.2 and 3 more transcripts).
Identifiers: ClinVar variation 651441 (VCV000651441.7), dbSNP rs782280458, ClinGen allele CA8565274.